The following is an entry in ClinVar:

NM_001278116.2(L1CAM):c.833G>A (p.Arg278His)

Gene: L1CAM (L1 cell adhesion molecule; minus strand). Cytogenetic location: Xq28.
Variant type: single nucleotide variant.
Coding change: c.833G>A on transcript NM_001278116.2 (MANE Select); coding-DNA position 833, G replaced by A.
Protein change: p.Arg278His; replaces arginine 278 with histidine.
Molecular consequence: missense variant.
Genome position (GRCh38, 1-based): chrX:153,870,214, C>T on the plus strand (G>A on the coding strand, the complement: L1CAM is on the minus strand). VCF-style: chrX-153870214-C-T. GRCh37 (hg19) VCF-style: chrX-153135669-C-T.
Other names: c.833G>A, p.Arg278His (NM_000425.5, NM_024003.3); c.818G>A, p.Arg273His (NM_001143963.2); short protein forms R273H, R278H.
Identifiers: ClinVar variation 2139201 (VCV002139201.19), dbSNP rs372200840, ClinGen allele CA10554482.
Genomic context (GRCh38, chrX:153,870,214, plus strand): 5'-TGCAGGGTCTTGTTGTGGTTCTGGTAGGTGACACGGTCGGCTGGCATGGGGCCACTGGGG[C>T]GCAGCCATTTGATGGTGGGCGTGGGACTGCCCGGGAGGCAAAGGGAAGAGAGCAGAAGGG-3'
Protein context (NP_001265045.1, residues 268-288): GFPTPTIKWL[Arg278His]PSGPMPADRV

ClinVar aggregate classification (germline): Benign/Likely benign. Review status: criteria provided, multiple submitters, no conflicts (2 of 4 stars). 3 submissions from 3 submitters: Benign (1); Likely benign (2). Last evaluated 2025-12-30.

Conditions:
Spastic paraplegia. Identifiers: MedGen C0037772, HP:0001258.

Allele frequency attached by ClinVar (database versions not stated): ExAC 0.00003; gnomAD 0.00004; TOPMed 0.00005; gnomAD exomes 0.00007; ESP Exome Variant Server 0.00009.
gnomAD v4.1: 84 of 1,210,075 alleles (0.0069%); highest among the groups gnomAD compares: East Asian, 0.0089%; no homozygotes.

Submissions (3):

Labcorp Genetics (formerly Invitae), Labcorp
Classification: Benign for Spastic paraplegia. Last evaluated: 2025-12-30. Review status: criteria provided, single submitter. Criteria: Invitae Variant Classification Sherloc (09022015). Collection method: clinical testing. Allele origin: germline.

Blueprint Genetics
Classification: Likely benign. Last evaluated: 2024-10-28. Review status: criteria provided, single submitter. Criteria: ACMG Guidelines, 2015. Collection method: clinical testing. Allele origin: germline.

CeGaT Center for Human Genetics Tuebingen
Classification: Likely benign. Last evaluated: 2024-09-01. Review status: criteria provided, single submitter. Criteria: CeGaT Center For Human Genetics Tuebingen Variant Classification Criteria Version 2. Collection method: clinical testing. Allele origin: germline. Affected: yes. Observed: 1 variant allele.
Comment: L1CAM: BP4, BS2